The following is an entry in ClinVar:

ClinVar aggregate classification (germline): Uncertain significance (1 of 4 stars; one submission).

Conditions:
ERCC5-related disorder. Also called: ERCC5-related condition.

gnomAD v4.1: 2 of 1,614,080 alleles (0.00012%); highest among the groups gnomAD compares: African/African-American, 0.0027%; no homozygotes.

Submission:

PreventionGenetics, part of Exact Sciences
Classification: Uncertain significance for ERCC5-related condition. Last evaluated: 2025-08-11. Review status: criteria provided, single submitter. Criteria: ACMG Guidelines, 2015. Collection method: clinical testing. Allele origin: germline.
Comment: The ERCC5 c.169A>T variant is predicted to result in the amino acid substitution p.Thr57Ser. To our knowledge, this variant has not been reported in the literature or in a large population database (gnomad), indicating this variant is rare. At the time of reporting, this variant was not present in ClinVar. At this time, the clinical significance of this variant is uncertain due to the absence of conclusive functional and genetic evidence.

NM_000123.4(ERCC5):c.169A>T (p.Thr57Ser)

Genes: BIVM-ERCC5 (BIVM-ERCC5 readthrough; plus strand), ERCC5 (ERCC excision repair 5, endonuclease; plus strand). Cytogenetic location: 13q33.1.
Variant type: single nucleotide variant.
Coding change: c.169A>T on transcript NM_000123.4 (MANE Select); coding-DNA position 169, A replaced by T.
Protein change: p.Thr57Ser; replaces threonine 57 with serine.
Molecular consequence: missense variant.
Genome position (GRCh38, 1-based): chr13:102,852,198, A>T. VCF-style: chr13-102852198-A-T. GRCh37 (hg19) VCF-style: chr13-103504548-A-T.
Other names: c.1531A>T, p.Thr511Ser (NM_001204425.2); short protein forms T57S, T511S.
Identifiers: ClinVar variation 4985310 (VCV004985310.1).